The following is an entry in ClinVar:

NM_000222.3(KIT):c.2122C>T (p.His708Tyr)

Gene: KIT (KIT proto-oncogene, receptor tyrosine kinase; plus strand). Cytogenetic location: 4q12.
Variant type: single nucleotide variant.
Coding change: c.2122C>T on transcript NM_000222.3 (MANE Select); coding-DNA position 2122, C replaced by T.
Protein change: p.His708Tyr; replaces histidine 708 with tyrosine.
Molecular consequence: missense variant.
Genome position (GRCh38, 1-based): chr4:54,729,466, C>T. VCF-style: chr4-54729466-C-T. GRCh37 (hg19) VCF-style: chr4-55595632-C-T.
Other names: c.2110C>T, p.His704Tyr (NM_001093772.2, NM_001385286.1); c.2125C>T, p.His709Tyr (NM_001385284.1, NM_001385290.1); c.2122C>T, p.His708Tyr (NM_001385285.1); c.2113C>T, p.His705Tyr (NM_001385288.1, NM_001385292.1); short protein forms H708Y, H704Y, H705Y, H709Y.
Identifiers: ClinVar variation 639277 (VCV000639277.10), dbSNP rs146337870, ClinGen allele CA2923651.

ClinVar aggregate classification (germline): Uncertain significance. Review status: criteria provided, multiple submitters, no conflicts (2 of 4 stars). 2 submissions from 2 submitters: Uncertain significance (2). Last evaluated 2026-01-14.

Conditions:
Gastrointestinal stromal tumor. Also called: Gastrointestinal stromal tumor, somatic; Gastrointestinal stroma tumor. Identifiers: Orphanet 44890, MedGen C0238198, MeSH D046152, MONDO:0011719, OMIM 606764, HP:0100723.
Hereditary cancer-predisposing syndrome. Also called: Hereditary Cancer Syndrome; Tumor predisposition; Neoplastic Syndromes, Hereditary; Hereditary neoplastic syndrome. Identifiers: Orphanet 140162, MedGen C0027672, MeSH D009386, MONDO:0015356.

Allele frequency attached by ClinVar (database versions not stated): ExAC 0.00001; gnomAD 0.00001; TOPMed 0.00002; ESP Exome Variant Server 0.00008; gnomAD exomes below 0.00001.
gnomAD v4.1: 5 of 1,613,340 alleles (0.00031%); highest among the groups gnomAD compares: African/African-American, 0.004%; no homozygotes.

Submissions (2):

Labcorp Genetics (formerly Invitae), Labcorp
Classification: Uncertain significance for Gastrointestinal stromal tumor. Last evaluated: 2026-01-14. Review status: criteria provided, single submitter. Criteria: Invitae Variant Classification Sherloc (09022015). Collection method: clinical testing. Allele origin: germline.
Comment: This sequence change replaces histidine, which is basic and polar, with tyrosine, which is neutral and polar, at codon 708 of the KIT protein (p.His708Tyr). The frequency data for this variant in the population databases is considered unreliable, as metrics indicate poor data quality at this position in the gnomAD database. This variant has not been reported in the literature in individuals affected with KIT-related conditions. ClinVar contains an entry for this variant (Variation ID: 639277). An algorithm developed to predict the effect of missense changes on protein structure and function (PolyPhen-2) suggests that this variant is likely to be disruptive. In summary, the available evidence is currently insufficient to determine the role of this variant in disease. Therefore, it has been classified as a Variant of Uncertain Significance.

Ambry Genetics
Classification: Uncertain significance for Hereditary cancer-predisposing syndrome. Last evaluated: 2025-02-20. Review status: criteria provided, single submitter. Criteria: Ambry Variant Classification Scheme 2023. Collection method: clinical testing. Allele origin: germline.
Comment: The p.H708Y variant (also known as c.2122C>T), located in coding exon 14 of the KIT gene, results from a C to T substitution at nucleotide position 2122. The histidine at codon 708 is replaced by tyrosine, an amino acid with similar properties. This amino acid position is not well conserved in available vertebrate species. In addition, this alteration is predicted to be tolerated by in silico analysis. Based on the available evidence, the clinical significance of this variant remains unclear.